The following is an entry in ClinVar:

NM_194248.3(OTOF):c.138+4G>A

Gene: OTOF (otoferlin; minus strand). Cytogenetic location: 2p23.3.
Variant type: single nucleotide variant.
Coding change: c.138+4G>A on transcript NM_194248.3 (MANE Select); 4 bases into the intron after coding-DNA position 138, G replaced by A.
Molecular consequence: intron variant.
Genome position (GRCh38, 1-based): chr2:26,537,712, C>T on the plus strand (G>A on the coding strand, the complement: OTOF is on the minus strand). VCF-style: chr2-26537712-C-T. GRCh37 (hg19) VCF-style: chr2-26760580-C-T.
Other names: c.138+4G>A (NM_001287489.2).
Identifiers: ClinVar variation 3678276 (VCV003678276.2).
Genomic context (GRCh38, chr2:26,537,712, plus strand): 5'-GCGAAGGGTGGCTGTTCCCCTCTGGGCTCAGGGCTGAGGGAGGGGGGAGTCTTGGGCCTC[C>T]TACCTCATCAAAGTCAGCCACATCCTCACAGTTCTCCAGGACCCGAGAGTAGAAGGATTG-3'

ClinVar aggregate classification (germline): Uncertain significance (1 of 4 stars; one submission).

gnomAD v4.1: 3 of 1,552,422 alleles (0.00019%); highest among the groups gnomAD compares: South Asian, 0.0036%; no homozygotes.

Submission:

Labcorp Genetics (formerly Invitae), Labcorp
Classification: Uncertain significance. Last evaluated: 2024-05-07. Review status: criteria provided, single submitter. Criteria: Invitae Variant Classification Sherloc (09022015). Collection method: clinical testing. Allele origin: germline.
Comment: This sequence change falls in intron 2 of the OTOF gene. It does not directly change the encoded amino acid sequence of the OTOF protein. It affects a nucleotide within the consensus splice site. This variant is not present in population databases (gnomAD no frequency). This variant has not been reported in the literature in individuals affected with OTOF-related conditions. Variants that disrupt the consensus splice site are a relatively common cause of aberrant splicing (PMID: 17576681, 9536098). Algorithms developed to predict the effect of sequence changes on RNA splicing suggest that this variant is not likely to affect RNA splicing. In summary, the available evidence is currently insufficient to determine the role of this variant in disease. Therefore, it has been classified as a Variant of Uncertain Significance.

Literature cited by the submitters: PubMed 17576681; PubMed 9536098.